The following is an entry in ClinVar:

ClinVar aggregate classification (germline): Uncertain significance. Review status: criteria provided, multiple submitters, no conflicts (2 of 4 stars). 4 submissions from 4 submitters: Uncertain significance (4). Last evaluated 2025-12-15.

Conditions:
Progressive familial heart block type IB (PFHB1B). Identifiers: Orphanet 871, MedGen C1970298, MONDO:0011474, OMIM 604559.
Erythrokeratodermia variabilis et progressiva 6. Identifiers: MedGen C5193144, MONDO:0032801, OMIM 618531.
Cardiovascular phenotype. Identifiers: MedGen CN230736.

Allele frequency attached by ClinVar (database versions not stated): gnomAD 0.00002 and 0.00003; TOPMed 0.00003; gnomAD exomes 0.00004; ExAC 0.00006.
gnomAD v4.1: 67 of 1,613,950 alleles (0.0042%); highest among the groups gnomAD compares: Non-Finnish European, 0.0056%; no homozygotes.

Submissions (4):

Labcorp Genetics (formerly Invitae), Labcorp
Classification: Uncertain significance for Progressive familial heart block type IB. Last evaluated: 2025-12-15. Review status: criteria provided, single submitter. Criteria: Invitae Variant Classification Sherloc (09022015). Collection method: clinical testing. Allele origin: germline.
Comment: This sequence change replaces glutamic acid, which is acidic and polar, with lysine, which is basic and polar, at codon 289 of the TRPM4 protein (p.Glu289Lys). This variant is present in population databases (rs770369257, gnomAD 0.007%). This variant has not been reported in the literature in individuals affected with TRPM4-related conditions. ClinVar contains an entry for this variant (Variation ID: 1346243). An algorithm developed to predict the effect of missense changes on protein structure and function (PolyPhen-2) suggests that this variant is likely to be tolerated. In summary, the available evidence is currently insufficient to determine the role of this variant in disease. Therefore, it has been classified as a Variant of Uncertain Significance.

Ambry Genetics
Classification: Uncertain significance for Cardiovascular phenotype. Last evaluated: 2025-11-10. Review status: criteria provided, single submitter. Criteria: Ambry Variant Classification Scheme 2023. Collection method: clinical testing. Allele origin: germline.
Comment: The p.E289K variant (also known as c.865G>A), located in coding exon 8 of the TRPM4 gene, results from a G to A substitution at nucleotide position 865. The glutamic acid at codon 289 is replaced by lysine, an amino acid with similar properties. This alteration has been reported in a cardiomyopathy cohort in an individual reported to have dilated cardiomyopathy (Forleo C et al. PLoS One, 2017 Jul;12:e0181842). This amino acid position is well conserved in available vertebrate species. In addition, the in silico prediction for this alteration is inconclusive. Since supporting evidence is limited at this time, the clinical significance of this alteration remains unclear.

GeneDx
Classification: Uncertain significance. Last evaluated: 2023-02-23. Review status: criteria provided, single submitter. Criteria: GeneDx Variant Classification Process June 2021. Collection method: clinical testing. Allele origin: germline. Affected: yes.
Comment: Identified in a patient with DCM in published literature (Forleo et al., 2017); this patient also harbored additional cardiogenetic variants; In silico analysis supports that this missense variant does not alter protein structure/function; This variant is associated with the following publications: (PMID: 28750076)

Fulgent Genetics
Classification: Uncertain significance for Progressive familial heart block type IB; Erythrokeratodermia variabilis et progressiva 6. Last evaluated: 2021-10-15. Review status: criteria provided, single submitter. Criteria: ACMG Guidelines, 2015. Collection method: clinical testing. Allele origin: unknown.

Literature cited by the submitters: PubMed 28750076 (cited by Ambry Genetics).

NM_017636.4(TRPM4):c.865G>A (p.Glu289Lys)

Gene: TRPM4 (transient receptor potential cation channel subfamily M member 4; plus strand). Cytogenetic location: 19q13.33.
Variant type: single nucleotide variant.
Coding change: c.865G>A on transcript NM_017636.4 (MANE Select); coding-DNA position 865, G replaced by A.
Protein change: p.Glu289Lys; replaces glutamic acid 289 with lysine.
Molecular consequence: missense variant. On other transcripts: 5 prime UTR variant (1).
Genome position (GRCh38, 1-based): chr19:49,171,584, G>A. VCF-style: chr19-49171584-G-A. GRCh37 (hg19) VCF-style: chr19-49674841-G-A.
Other names: c.865G>A, p.Glu289Lys (NM_001195227.2); c.520G>A, p.Glu174Lys (NM_001321281.2); c.-689G>A (NM_001321282.2); c.343G>A, p.Glu115Lys (NM_001321283.2); c.16G>A, p.Glu6Lys (NM_001321285.2); short protein forms E115K, E289K, E6K, E174K.
Identifiers: ClinVar variation 1346243 (VCV001346243.11), dbSNP rs770369257, ClinGen allele CA9569003.
Genomic context (GRCh38, chr19:49,171,584, plus strand): 5'-GTGAATATCCTGCCTTTTCTGACGTGATGAATAAAGAATGCCTTTATCCTGTAGCGAATA[G>A]AGAACGCCACCCAGGCTCAGCTCCCATGTCTCCTCGTGGCTGGCTCAGGGGGAGCTGCGG-3'
Protein context (NP_060106.2, residues 279-299): DGDEKMLTRI[Glu289Lys]NATQAQLPCL